The following is an entry in ClinVar:

NM_001009944.3(PKD1):c.9074_9076delinsA (p.Trp3025_Arg3026delinsTer)

Gene: PKD1 (polycystin 1, transient receptor potential channel interacting; minus strand). Cytogenetic location: 16p13.3.
Variant type: Indel.
Coding change: c.9074_9076delinsA on transcript NM_001009944.3 (MANE Select); coding-DNA positions 9074 to 9076, GGC replaced by A.
Protein change: p.Trp3025_Arg3026delinsTer.
Molecular consequence: nonsense.
Genome position (GRCh38, 1-based): chr16:2,102,506-2,102,508, GCC replaced by T on the plus strand (GGC replaced by A on the coding strand, the reverse complement: PKD1 is on the minus strand). VCF-style: chr16-2102506-GCC-T. GRCh37 (hg19) VCF-style: chr16-2152507-GCC-T.
Other names: c.9074_9076delinsA, p.Trp3025_Arg3026delinsTer (NM_000296.4).
Identifiers: ClinVar variation 433996 (VCV000433996.3), dbSNP rs1555450424, ClinGen allele CA645373031.

ClinVar aggregate classification (germline): Pathogenic (0 of 4 stars; one submission).

Conditions:
Polycystic kidney disease. Also called: Kidney, Polycystic; Polycystic kidney dysplasia. Identifiers: MedGen C0022680, MeSH D007690, MONDO:0020642, HP:0000113.

Submission:

Department of Pathology and Laboratory Medicine, Sinai Health System
Classification: Pathogenic for Polycystic Kidney disease. Review status: no assertion criteria provided. Collection method: clinical testing. Allele origin: unknown. Affected: yes. Study: The Canadian Open Genetics Repository (COGR).
Comment: The PKD1 p.Trp3025X variant was not identified in the literature, nor was it identified in the dbSNP, NHLBI Exome Sequencing Project (Exome Variant Server), Exome Aggregation Consortium (March 14 2016), Clinvitae, ClinVar, MutDB, ADPKD Mutation Database PKD1-LOVD and PKD1-LOVD 3.0. The p.Trp3025X variant leads to a premature stop codon at position 3025, which is predicted to lead to a truncated or absent protein and loss of function. Loss of function variants of the PKD1 gene are an established mechanism of disease in autosomal dominant polycystic kidney disease and is the type of variant expected to cause the disorder. In summary, based on the above information, this variant meets our laboratoryâ€šÃ„Ã´s criteria to be classified as pathogenic.